The following is an entry in ClinVar:

NM_000124.4(ERCC6):c.2390C>G (p.Ser797Cys)

Gene: ERCC6 (ERCC excision repair 6, chromatin remodeling factor; minus strand). Cytogenetic location: 10q11.23.
Variant type: single nucleotide variant.
Coding change: c.2390C>G on transcript NM_000124.4 (MANE Select); coding-DNA position 2390, C replaced by G.
Protein change: p.Ser797Cys; replaces serine 797 with cysteine.
Molecular consequence: missense variant.
Genome position (GRCh38, 1-based): chr10:49,474,235, G>C on the plus strand (C>G on the coding strand, the complement: ERCC6 is on the minus strand). VCF-style: chr10-49474235-G-C. GRCh37 (hg19) VCF-style: chr10-50682281-G-C.
Other names: p.Ser797Cys; c.2390C>G, p.Ser797Cys (NM_001346440.2); short protein forms S797C.
Identifiers: ClinVar variation 300067 (VCV000300067.18), dbSNP rs146043988, ClinGen allele CA5495653.

ClinVar aggregate classification (germline): Conflicting classifications of pathogenicity. Review status: criteria provided, conflicting classifications (1 of 4 stars). 8 submissions from 6 submitters: Uncertain significance (3); Benign (1); Likely benign (3). 1 of the submissions does not count toward it. Last evaluated 2026-01-29.

Conditions:
ERCC6-related disorder. Also called: ERCC6-related disorders; ERCC6-related condition. Identifiers: MedGen CN239385.
Cockayne syndrome type 2 (CSB). Also called: Cockayne Syndrome, Type II; COCKAYNE SYNDROME B. Identifiers: Orphanet 191, Orphanet 90322, MedGen C0751038, MONDO:0019570, OMIM 133540.
Cerebrooculofacioskeletal syndrome 1 (COFS1). Also called: Cerebro-oculo-facio-skeletal syndrome 1. Identifiers: MedGen C0220722, MONDO:0008955, OMIM 214150.
Age related macular degeneration 5. Identifiers: MedGen C3151063, MONDO:0013409, OMIM 613761.
Intellectual disability. Also called: Intellectual functioning disability; intellectual disabilities; Intellectual developmental disorder. Identifiers: MedGen C3714756, MeSH D008607, MONDO:0001071, HP:0001249.

Allele frequency attached by ClinVar (database versions not stated): 1000 Genomes Project 30x 0.00031; TOPMed 0.00085; 1000 Genomes Project 0.00040; gnomAD 0.00081 and 0.00083; gnomAD exomes 0.00084 and 0.00161; ExAC 0.00096; ESP Exome Variant Server 0.00100.
gnomAD v4.1: 2,443 of 1,613,602 alleles (0.15%); highest among the groups gnomAD compares: Non-Finnish European, 0.2%; 9 homozygotes.

Submissions (8):

Labcorp Genetics (formerly Invitae), Labcorp
Classification: Likely benign. Last evaluated: 2026-01-29. Review status: criteria provided, single submitter. Criteria: Invitae Variant Classification Sherloc (09022015). Collection method: clinical testing. Allele origin: germline.

Mayo Clinic Laboratories, Mayo Clinic
Classification: Uncertain significance. Last evaluated: 2021-08-11. Review status: criteria provided, single submitter. Criteria: ACMG Guidelines, 2015. Collection method: clinical testing. Allele origin: germline.

Cambridge Genomics Laboratory, East Genomic Laboratory Hub, NHS Genomic Medicine Service
Classification: Benign for Intellectual disability. Last evaluated: 2019-04-17. Review status: criteria provided, single submitter. Criteria: ACGS Best Practice Guidelines for Variant Classification in Rare Disease 2020. Collection method: clinical testing. Allele origin: germline. Affected: yes. Observed: 1 variant allele.

GeneDx
Classification: Likely benign. Last evaluated: 2019-04-11. Review status: criteria provided, single submitter. Criteria: GeneDx Variant Classification Process June 2021. Collection method: clinical testing. Allele origin: germline. Affected: yes.

Illumina Laboratory Services, Illumina
Classification: Uncertain significance for Cerebrooculofacioskeletal syndrome 1. Last evaluated: 2018-01-13. Review status: criteria provided, single submitter. Criteria: ICSL Variant Classification Criteria 13 December 2019. Collection method: clinical testing. Allele origin: germline.

Illumina Laboratory Services, Illumina
Classification: Likely benign for Age related macular degeneration 5. Last evaluated: 2018-01-13. Review status: criteria provided, single submitter. Criteria: ICSL Variant Classification Criteria 13 December 2019. Collection method: clinical testing. Allele origin: germline.
Comment: This variant was observed in the ICSL laboratory as part of a predisposition screen in an ostensibly healthy population. It had not been previously curated by ICSL or reported in the Human Gene Mutation Database (HGMD: prior to June 1st, 2018), and was therefore a candidate for classification through an automated scoring system. Utilizing variant allele frequency, disease prevalence and penetrance estimates, and inheritance mode, an automated score was calculated to assess if this variant is too frequent to cause the disease. Based on the score and internal cut-off values, a variant classified as likely benign is not then subjected to further curation. The score for this variant resulted in a classification of likely benign for this disease.

Illumina Laboratory Services, Illumina
Classification: Uncertain significance for Cockayne syndrome type 2. Last evaluated: 2018-01-13. Review status: criteria provided, single submitter. Criteria: ICSL Variant Classification Criteria 13 December 2019. Collection method: clinical testing. Allele origin: germline.

PreventionGenetics, part of Exact Sciences
Classification: Likely benign for ERCC6-related condition. Last evaluated: 2023-01-11. Review status: no assertion criteria provided. Collection method: clinical testing. Allele origin: germline. Not counted in ClinVar's aggregate classification.
Comment: This variant is classified as likely benign based on ACMG/AMP sequence variant interpretation guidelines (Richards et al. 2015 PMID: 25741868, with internal and published modifications).